The following is an entry in ClinVar:

NM_020949.3(SLC7A14):c.443C>T (p.Ala148Val)

Genes: SLC7A14 (solute carrier family 7 member 14; minus strand), SLC7A14-AS1 (SLC7A14 antisense RNA 1; plus strand). Cytogenetic location: 3q26.2.
Variant type: single nucleotide variant.
Coding change: c.443C>T on transcript NM_020949.3 (MANE Select); coding-DNA position 443, C replaced by T.
Protein change: p.Ala148Val; replaces alanine 148 with valine.
Molecular consequence: missense variant.
Genome position (GRCh38, 1-based): chr3:170,501,207, G>A on the plus strand (C>T on the coding strand, the complement: SLC7A14 is on the minus strand). VCF-style: chr3-170501207-G-A. GRCh37 (hg19) VCF-style: chr3-170218996-G-A.
Other names: c.443C>T (NM_020949.2); short protein forms A148V.
Identifiers: ClinVar variation 2699956 (VCV002699956.5), dbSNP rs901085572, ClinGen allele CA88021051.

ClinVar aggregate classification (germline): Uncertain significance. Review status: criteria provided, multiple submitters, no conflicts (2 of 4 stars). 3 submissions from 3 submitters: Uncertain significance (3). Last evaluated 2025-09-25.

Allele frequency attached by ClinVar (database versions not stated): gnomAD 0.00001; TOPMed 0.00002; gnomAD exomes 0.00003.
gnomAD v4.1: 39 of 1,614,100 alleles (0.0024%); highest among the groups gnomAD compares: Middle Eastern, 0.016%; no homozygotes.

Submissions (3):

Ambry Genetics
Classification: Uncertain significance. Last evaluated: 2025-09-25. Review status: criteria provided, single submitter. Criteria: Ambry Variant Classification Scheme 2023. Collection method: clinical testing. Allele origin: germline.

Labcorp Genetics (formerly Invitae), Labcorp
Classification: Uncertain significance. Last evaluated: 2023-09-09. Review status: criteria provided, single submitter. Criteria: Invitae Variant Classification Sherloc (09022015). Collection method: clinical testing. Allele origin: germline.
Comment: In summary, the available evidence is currently insufficient to determine the role of this variant in disease. Therefore, it has been classified as a Variant of Uncertain Significance. An algorithm developed to predict the effect of missense changes on protein structure and function (PolyPhen-2) suggests that this variant is likely to be disruptive. This variant has not been reported in the literature in individuals affected with SLC7A14-related conditions. This variant is present in population databases (no rsID available, gnomAD 0.003%). This sequence change replaces alanine, which is neutral and non-polar, with valine, which is neutral and non-polar, at codon 148 of the SLC7A14 protein (p.Ala148Val).

Blueprint Genetics
Classification: Uncertain significance. Last evaluated: 2020-04-24. Review status: criteria provided, single submitter. Criteria: ACMG Guidelines, 2015. Collection method: clinical testing. Allele origin: germline.